The following is an entry in ClinVar:

NM_005655.4(KLF10):c.593A>G (p.Lys198Arg)

Gene: KLF10 (KLF transcription factor 10; minus strand). Cytogenetic location: 8q22.3.
Variant type: single nucleotide variant.
Coding change: c.593A>G on transcript NM_005655.4 (MANE Select); coding-DNA position 593, A replaced by G.
Protein change: p.Lys198Arg; replaces lysine 198 with arginine.
Molecular consequence: missense variant.
Genome position (GRCh38, 1-based): chr8:102,651,739, T>C on the plus strand (A>G on the coding strand, the complement: KLF10 is on the minus strand). VCF-style: chr8-102651739-T-C. GRCh37 (hg19) VCF-style: chr8-103663967-T-C.
Other names: c.560A>G, p.Lys187Arg (NM_001032282.4); short protein forms K187R, K198R.
Identifiers: ClinVar variation 2103133 (VCV002103133.4), dbSNP rs1827217954, ClinGen allele CA371627895.

ClinVar aggregate classification (germline): Uncertain significance (1 of 4 stars; one submission).

Allele frequency attached by ClinVar (database versions not stated): gnomAD exomes below 0.00001; TOPMed below 0.00001.
gnomAD v4.1: 2 of 1,614,248 alleles (0.00012%); highest among the groups gnomAD compares: Non-Finnish European, 0.00017%; no homozygotes.

Submission:

Labcorp Genetics (formerly Invitae), Labcorp
Classification: Uncertain significance. Last evaluated: 2022-04-12. Review status: criteria provided, single submitter. Criteria: Invitae Variant Classification Sherloc (09022015). Collection method: clinical testing. Allele origin: germline.
Comment: This sequence change replaces lysine, which is basic and polar, with arginine, which is basic and polar, at codon 198 of the KLF10 protein (p.Lys198Arg). In summary, the available evidence is currently insufficient to determine the role of this variant in disease. Therefore, it has been classified as a Variant of Uncertain Significance. Algorithms developed to predict the effect of missense changes on protein structure and function output the following: SIFT: "Tolerated"; PolyPhen-2: "Benign"; Align-GVGD: "Class C0". The arginine amino acid residue is found in multiple mammalian species, which suggests that this missense change does not adversely affect protein function. This variant has not been reported in the literature in individuals affected with KLF10-related conditions. This variant is not present in population databases (gnomAD no frequency).